The following is an entry in ClinVar:

NM_014915.3(ANKRD26):c.1015C>G (p.Gln339Glu)

Gene: ANKRD26 (ankyrin repeat domain containing 26; minus strand). Cytogenetic location: 10p12.1.
Variant type: single nucleotide variant.
Coding change: c.1015C>G on transcript NM_014915.3 (MANE Select); coding-DNA position 1015, C replaced by G.
Protein change: p.Gln339Glu; replaces glutamine 339 with glutamic acid.
Molecular consequence: missense variant.
Genome position (GRCh38, 1-based): chr10:27,077,400, G>C on the plus strand (C>G on the coding strand, the complement: ANKRD26 is on the minus strand). VCF-style: chr10-27077400-G-C. GRCh37 (hg19) VCF-style: chr10-27366329-G-C.
Other names: c.1015C>G, p.Gln339Glu (NM_001256053.2); short protein forms Q339E.
Identifiers: ClinVar variation 3913554 (VCV003913554.1).

ClinVar aggregate classification (germline): Uncertain significance (1 of 4 stars; one submission).

Conditions:
Inborn genetic diseases. Identifiers: MedGen C0950123, MeSH D030342.

Submission:

Ambry Genetics
Classification: Uncertain significance for Inborn genetic diseases. Last evaluated: 2025-04-04. Review status: criteria provided, single submitter. Criteria: Ambry Variant Classification Scheme 2023. Collection method: clinical testing. Allele origin: germline.
Comment: The p.Q339E variant (also known as c.1015C>G), located in coding exon 9 of the ANKRD26 gene, results from a C to G substitution at nucleotide position 1015. The glutamine at codon 339 is replaced by glutamic acid, an amino acid with highly similar properties. This amino acid position is conserved. In addition, this alteration is predicted to be tolerated by in silico analysis. Based on the available evidence, the clinical significance of this variant remains unclear.